The following is an entry in ClinVar:

NM_181882.3(PRX):c.1002G>T (p.Gly334=)

Gene: PRX (periaxin; minus strand). Cytogenetic location: 19q13.2.
Variant type: single nucleotide variant.
Coding change: c.1002G>T on transcript NM_181882.3 (MANE Select); coding-DNA position 1002, G replaced by T.
Protein change: p.Gly334=; no amino-acid change (glycine 334 retained).
Molecular consequence: synonymous variant. On other transcripts: 3 prime UTR variant (1).
Genome position (GRCh38, 1-based): chr19:40,397,350, C>A on the plus strand (G>T on the coding strand, the complement: PRX is on the minus strand). VCF-style: chr19-40397350-C-A. GRCh37 (hg19) VCF-style: chr19-40903257-C-A.
Other names: c.*1207G>T (NM_020956.2).
Identifiers: ClinVar variation 512274 (VCV000512274.12), dbSNP rs755650027, ClinGen allele CA507680334.
Genomic context (GRCh38, chr19:40,397,350, plus strand): 5'-GGCCACCTCAGGTGCCTCTCCCCGGGCCTCCACCTCTGCACCCGGCAAGGCCAGGTCCAC[C>A]CCCACAGTCGGTGCTGCCACATCCAGGGTGGGCACCACTACCGACACAGCCCCTTCCCGG-3'
Protein context (NP_870998.2, residues 324-344): PTLDVAAPTV[Gly334=]VDLALPGAEV

ClinVar aggregate classification (germline): Likely benign. Review status: criteria provided, multiple submitters, no conflicts (2 of 4 stars). 3 submissions from 3 submitters: Likely benign (3). Last evaluated 2023-07-07.

Conditions:
Inborn genetic diseases. Identifiers: MedGen C0950123, MeSH D030342.
Charcot-Marie-Tooth disease type 4. Also called: Charcot-Marie-Tooth, Type 4; Charcot-Marie-Tooth disease, type IV. Identifiers: Orphanet 64749, MedGen C4082197, MONDO:0018995.

Allele frequency attached by ClinVar (database versions not stated): gnomAD 0.00001; 1000 Genomes Project 30x 0.00016.
gnomAD v4.1: 4 of 1,612,988 alleles (0.00025%); highest among the groups gnomAD compares: East Asian, 0.0089%; no homozygotes.

Submissions (3):

Labcorp Genetics (formerly Invitae), Labcorp
Classification: Likely benign for Charcot-Marie-Tooth disease type 4. Last evaluated: 2023-07-07. Review status: criteria provided, single submitter. Criteria: Invitae Variant Classification Sherloc (09022015). Collection method: clinical testing. Allele origin: germline.

Ambry Genetics
Classification: Likely benign for Inborn genetic diseases. Last evaluated: 2019-07-11. Review status: criteria provided, single submitter. Criteria: Ambry Variant Classification Scheme 2023. Collection method: clinical testing. Allele origin: germline.

GeneDx
Classification: Likely benign. Last evaluated: 2017-09-22. Review status: criteria provided, single submitter. Criteria: GeneDx Variant Classification (06012015). Collection method: clinical testing. Allele origin: germline. Affected: yes.
Comment: This variant is considered likely benign or benign based on one or more of the following criteria: it is a conservative change, it occurs at a poorly conserved position in the protein, it is predicted to be benign by multiple in silico algorithms, and/or has population frequency not consistent with disease.